The following is an entry in ClinVar:

ClinVar aggregate classification (germline): Conflicting classifications of pathogenicity. Review status: criteria provided, conflicting classifications (1 of 4 stars). 5 submissions from 5 submitters: Uncertain significance (4); Likely benign (1). Last evaluated 2025-12-29.

Conditions:
Hereditary cancer-predisposing syndrome. Also called: Tumor predisposition; Hereditary neoplastic syndrome; Neoplastic Syndromes, Hereditary; Hereditary Cancer Syndrome. Identifiers: Orphanet 140162, MedGen C0027672, MeSH D009386, MONDO:0015356.
BAP1-related tumor predisposition syndrome (TPDS1). Also called: Tumor susceptibility linked to germline BAP1 mutations; BAP1 tumor predisposition syndrome; TUMOR PREDISPOSITION SYNDROME 1; COMMON Syndrome. Identifiers: Orphanet 289539, MedGen C3280492, MONDO:0013692, OMIM 614327.

Allele frequency attached by ClinVar (database versions not stated): gnomAD 0.00001; TOPMed 0.00001.
gnomAD v4.1: 51 of 1,613,982 alleles (0.0032%); highest among the groups gnomAD compares: Non-Finnish European, 0.0042%; no homozygotes.

Submissions (5):

Labcorp Genetics (formerly Invitae), Labcorp
Classification: Uncertain significance for BAP1-related tumor predisposition syndrome. Last evaluated: 2025-12-29. Review status: criteria provided, single submitter. Criteria: Invitae Variant Classification Sherloc (09022015). Collection method: clinical testing. Allele origin: germline.
Comment: This sequence change replaces arginine, which is basic and polar, with threonine, which is neutral and polar, at codon 264 of the BAP1 protein (p.Arg264Thr). This variant is not present in population databases (gnomAD no frequency). This missense change has been observed in individual(s) with melanoma (PMID: 28062663). ClinVar contains an entry for this variant (Variation ID: 846072). Invitae Evidence Modeling of protein sequence and biophysical properties (such as structural, functional, and spatial information, amino acid conservation, physicochemical variation, residue mobility, and thermodynamic stability) indicates that this missense variant is not expected to disrupt BAP1 protein function with a negative predictive value of 80%. RNA analysis performed to evaluate the impact of this missense change on mRNA splicing indicates it does not significantly alter splicing (internal data). In summary, the available evidence is currently insufficient to determine the role of this variant in disease. Therefore, it has been classified as a Variant of Uncertain Significance.

Color Diagnostics, LLC DBA Color Health
Classification: Uncertain significance for Hereditary cancer-predisposing syndrome. Last evaluated: 2024-11-14. Review status: criteria provided, single submitter. Criteria: ACMG Guidelines, 2015. Collection method: clinical testing. Allele origin: germline.
Comment: This missense variant replaces arginine with threonine at codon 264 of the BAP1 protein. Computational prediction suggests that this variant may not impact protein structure and function. To our knowledge, functional studies have not been performed for this variant. This variant has been reported in an individual affected with cutaneous melanoma in the literature (PMID: 28062663). This variant has not been identified in the general population by the Genome Aggregation Database (gnomAD). The available evidence is insufficient to determine the role of this variant in disease conclusively. Therefore, this variant is classified as a Variant of Uncertain Significance.

Ambry Genetics
Classification: Likely benign for Hereditary cancer-predisposing syndrome. Last evaluated: 2024-08-14. Review status: criteria provided, single submitter. Criteria: Ambry Variant Classification Scheme 2023. Collection method: clinical testing. Allele origin: germline.

Baylor Genetics
Classification: Uncertain significance for BAP1-related tumor predisposition syndrome. Last evaluated: 2024-02-28. Review status: criteria provided, single submitter. Criteria: ACMG Guidelines, 2015. Collection method: clinical testing. Allele origin: unknown.

KCCC/NGS Laboratory, Kuwait Cancer Control Center
Classification: Uncertain significance for BAP1-related tumor predisposition syndrome. Last evaluated: 2023-07-07. Review status: criteria provided, single submitter. Criteria: ACMG Guidelines, 2015. Collection method: clinical testing. Allele origin: unknown. Affected: yes.
Comment: This sequence change replaces arginine with threonine at codon 264 of the BAP1 protein (p.Arg264Thr). The arginine residue is highly conserved and there is a moderate physicochemical difference between arginine and threonine. This variant is not present in population databases (ExAC no frequency). This variant has been observed in an individual affected with melanoma (PMID: 28062663). Computational verdict based on 7 pathogenic predictions from EIGEN, FATHMM-MKL, LIST-S2, M-CAP, MutationAssessor and 2 more and 6 benign predictions from BayesDel_addAF, DANN, DEOGEN2, MVP, PrimateAI and REVEL. Therefore, it has been classified as a Variant of Uncertain Significance.

Literature cited by the submitters: PubMed 28062663 (cited by 3 submitters); PubMed 38969833 (cited by Ambry Genetics).

NM_004656.4(BAP1):c.791G>C (p.Arg264Thr)

Gene: BAP1 (BRCA1 associated deubiquitinase 1; minus strand). Cytogenetic location: 3p21.1.
Variant type: single nucleotide variant.
Coding change: c.791G>C on transcript NM_004656.4 (MANE Select); coding-DNA position 791, G replaced by C.
Protein change: p.Arg264Thr; replaces arginine 264 with threonine.
Molecular consequence: missense variant.
Genome position (GRCh38, 1-based): chr3:52,405,905, C>G on the plus strand (G>C on the coding strand, the complement: BAP1 is on the minus strand). VCF-style: chr3-52405905-C-G. GRCh37 (hg19) VCF-style: chr3-52439921-C-G.
Other names: short protein forms R264T.
Identifiers: ClinVar variation 846072 (VCV000846072.16), dbSNP rs978943999, ClinGen allele CA74743054.
Genomic context (GRCh38, chr3:52,405,905, plus strand): 5'-TCCTCAGGCAGCTGTGACTCTTGAGACTTGTGGGTCTGAATCAGCTCTGGCTGTGTTACT[C>G]TTATCAGCTAACAACAGAATCCAGGGCTCAGAGGAGAAAGGGTAGACCCGGGCTTCTACC-3'
Protein context (NP_004647.1, residues 254-274): TVLEALQQLI[Arg264Thr]VTQPELIQTH